The following is an entry in ClinVar:

ClinVar aggregate classification (germline): Uncertain significance (1 of 4 stars; one submission).

Submission:

Labcorp Genetics (formerly Invitae), Labcorp
Classification: Uncertain significance. Last evaluated: 2022-06-23. Review status: criteria provided, single submitter. Criteria: Invitae Variant Classification Sherloc (09022015). Collection method: clinical testing. Allele origin: germline.
Comment: This sequence change replaces glutamic acid, which is acidic and polar, with valine, which is neutral and non-polar, at codon 587 of the GRM1 protein (p.Glu587Val). This variant is not present in population databases (gnomAD no frequency). This variant has not been reported in the literature in individuals affected with GRM1-related conditions. Algorithms developed to predict the effect of missense changes on protein structure and function are either unavailable or do not agree on the potential impact of this missense change (SIFT: "Deleterious"; PolyPhen-2: "Benign"; Align-GVGD: "Class C25"). In summary, the available evidence is currently insufficient to determine the role of this variant in disease. Therefore, it has been classified as a Variant of Uncertain Significance.

NM_001278064.2(GRM1):c.1760A>T (p.Glu587Val)

Gene: GRM1 (glutamate metabotropic receptor 1; plus strand). Cytogenetic location: 6q24.3.
Variant type: single nucleotide variant.
Coding change: c.1760A>T on transcript NM_001278064.2 (MANE Select); coding-DNA position 1760, A replaced by T.
Protein change: p.Glu587Val; replaces glutamic acid 587 with valine.
Molecular consequence: missense variant.
Genome position (GRCh38, 1-based): chr6:146,398,799, A>T. VCF-style: chr6-146398799-A-T. GRCh37 (hg19) VCF-style: chr6-146719935-A-T.
Other names: c.1760A>T, p.Glu587Val (NM_001278065.2, NM_001278066.1, NM_001278067.1); short protein forms E587V.
Identifiers: ClinVar variation 2009955 (VCV002009955.4), dbSNP rs2483994309, ClinGen allele CA366193909.